The following is an entry in ClinVar:

NM_152383.5(DIS3L2):c.1545dup (p.Ile516fs)

Gene: DIS3L2 (DIS3 like 3'-5' exoribonuclease 2; plus strand). Cytogenetic location: 2q37.1.
Variant type: Duplication.
Coding change: c.1545dup on transcript NM_152383.5 (MANE Select); coding-DNA position 1545, one base duplicated (C; older notation c.1545dupC).
Protein change: p.Ile516fs; shifts the reading frame from isoleucine 516.
Molecular consequence: frameshift variant. On other transcripts: non-coding transcript variant (2).
Genome position (GRCh38, 1-based): chr2:232,263,326, C duplicated; the last of 6 consecutive C bases (chr2:232,263,321-232,263,326); duplicating any one gives the same sequence. VCF-style (leftmost placement, unchanged base first): chr2-232263320-G-GC. GRCh37 (hg19) VCF-style: chr2-233128030-G-GC.
Other names: c.1545dup, p.Ile516fs (NM_001257281.2); short protein forms I516fs.
Identifiers: ClinVar variation 1076634 (VCV001076634.9), dbSNP rs2106281153, ClinGen allele CA2499215787.
Genomic context (GRCh38, chr2:232,263,320, plus strand): 5'-CTACGAGCATGCACAGAGCATGATTGAAAGCCCAACTGAGAAAATCCCTGCGAAAGAGCT[G>GC]CCCCCCATTTCCCCAGAGCATAGCAGCGAGGAGGTACACCAGGCCGTCTTGAATCTCCAC-3'

ClinVar aggregate classification (germline): Pathogenic (1 of 4 stars; one submission).

Conditions:
Perlman syndrome (PRLMNS). Identifiers: Orphanet 2849, MedGen C0796113, MONDO:0009965, OMIM 267000.

Submission:

Labcorp Genetics (formerly Invitae), Labcorp
Classification: Pathogenic for Perlman syndrome. Last evaluated: 2020-01-14. Review status: criteria provided, single submitter. Criteria: Invitae Variant Classification Sherloc (09022015). Collection method: clinical testing. Allele origin: germline.
Comment: For these reasons, this variant has been classified as Pathogenic. Loss-of-function variants in DIS3L2 are known to be pathogenic (PMID: 22306653). This variant has been observed in an individual with Wilms tumor (PMID: 25670083). This variant is also known as c.1540dupC in the literature. This variant is not present in population databases (ExAC no frequency). This sequence change creates a premature translational stop signal (p.Ile516Hisfs*6) in the DIS3L2 gene. It is expected to result in an absent or disrupted protein product.

Literature cited by the submitters: PubMed 22306653; PubMed 25670083.